The following is an entry in ClinVar:

NM_003242.6(TGFBR2):c.136A>G (p.Lys46Glu)

Gene: TGFBR2 (transforming growth factor beta receptor 2; plus strand). Cytogenetic location: 3p24.1.
Variant type: single nucleotide variant.
Coding change: c.136A>G on transcript NM_003242.6 (MANE Select); coding-DNA position 136, A replaced by G.
Protein change: p.Lys46Glu; replaces lysine 46 with glutamic acid.
Molecular consequence: missense variant.
Genome position (GRCh38, 1-based): chr3:30,644,788, A>G. VCF-style: chr3-30644788-A-G. GRCh37 (hg19) VCF-style: chr3-30686280-A-G.
Other names: c.211A>G, p.Lys71Glu (NM_001024847.3, NM_001407126.1, NM_001407139.1); c.136A>G, p.Lys46Glu (NM_001407127.1, NM_001407130.1); c.163A>G, p.Lys55Glu (NM_001407128.1); c.31A>G, p.Lys11Glu (NM_001407129.1, NM_001407132.1, NM_001407133.1 and 3 more transcripts); short protein forms K71E, K46E, K11E, K55E.
Identifiers: ClinVar variation 924519 (VCV000924519.5), dbSNP rs1553627148, ClinGen allele CA351806376.

ClinVar aggregate classification (germline): Conflicting classifications of pathogenicity. Review status: criteria provided, conflicting classifications (1 of 4 stars). 2 submissions from 2 submitters: Pathogenic (1); Uncertain significance (1). Last evaluated 2019-07-05.

Conditions:
Diabetic retinopathy. Identifiers: MedGen C0011884, MONDO:0005266.
Familial thoracic aortic aneurysm and aortic dissection (TAAD). Also called: Thoracic aortic aneurysms and dissections. Identifiers: Orphanet 91387, MedGen C4707243, MONDO:0019625.

Allele frequency attached by ClinVar (database versions not stated): gnomAD exomes below 0.00001.
gnomAD v4.1: 1 of 1,614,146 alleles (0.000062%); highest among the groups gnomAD compares: African/African-American, 0.0013%; no homozygotes.

Submissions (2):

Color Diagnostics, LLC DBA Color Health
Classification: Uncertain significance for Familial thoracic aortic aneurysm and aortic dissection. Last evaluated: 2019-07-05. Review status: criteria provided, single submitter. Criteria: ACMG Guidelines, 2015. Collection method: clinical testing. Allele origin: germline.
Comment: This missense variant replaces lysine with glutamic acid at codon 71 of the TGFBR2 protein. Computational prediction tools and conservation analyses are inconclusive regarding the impact of this variant on the protein function. Computational splicing tools suggest that this variant may not impact RNA splicing. To our knowledge, functional assays have not been performed for this variant nor has this variant been reported in individuals affected with cardiovascular disorders in the literature. This variant has not been identified in the general population by the Genome Aggregation Database (gnomAD). Available evidence is insufficient to determine the role of this variant in disease conclusively. Therefore, this variant is classified as a Variant of Uncertain Significance.

Clinical Genomics, Uppaluri K&H Personalized Medicine Clinic
Classification: Pathogenic for Diabetic retinopathy. Review status: criteria provided, single submitter. Criteria: K And H Uppaluri Personalized Medicine Clinic Variant Classification And Assertion Criteria Updated V 2. Collection method: research. Allele origin: unknown.
Comment: Potent mutations in TGFBR2 gene encodes the transforming growth factor that have been associated with angiogenesis and diabetic retinopathy. More clinical studies are needed for stronger association. However, more evidence is required to confer the association of this particular variant rs1553627148 with diabetic retinopathy.

Literature cited by the submitters: PubMed 30222965 (cited by Clinical Genomics, Uppaluri K&H Personalized Medicine Clinic); PubMed 28162229 (cited by Clinical Genomics, Uppaluri K&H Personalized Medicine Clinic); PubMed 34572573 (cited by Clinical Genomics, Uppaluri K&H Personalized Medicine Clinic).